The following is an entry in ClinVar:

ClinVar aggregate classification (germline): Uncertain significance (0 of 4 stars; one submission).

Conditions:
NUP160-related disorder. Also called: NUP160-related condition.

gnomAD v4.1: 3 of 1,577,552 alleles (0.00019%); highest among the groups gnomAD compares: South Asian, 0.0034%; no homozygotes.

Submission:

PreventionGenetics, part of Exact Sciences
Classification: Uncertain significance for NUP160-related condition. Last evaluated: 2023-10-24. Review status: no assertion criteria provided. Collection method: clinical testing. Allele origin: germline.
Comment: The NUP160 c.11T>C variant is predicted to result in the amino acid substitution p.Leu4Pro. To our knowledge, this variant has not been reported in the literature or in a large population database, indicating this variant is rare. At this time, the clinical significance of this variant is uncertain due to the absence of conclusive functional and genetic evidence.

NM_015231.2(NUP160):c.11T>C (p.Leu4Pro)

Genes: NUP160 (nucleoporin 160; minus strand), LOC130005685 (ATAC-STARR-seq lymphoblastoid active region 4704; plus strand). Cytogenetic location: 11p11.2.
Variant type: single nucleotide variant.
Coding change: c.11T>C on transcript NM_015231.2; coding-DNA position 11, T replaced by C.
Protein change: p.Leu4Pro; replaces leucine 4 with proline.
Molecular consequence: missense variant (on NM_001318399.1).
Genome position (GRCh38, 1-based): chr11:47,848,410, A>G on the plus strand (T>C on the coding strand, the complement: NUP160 is on the minus strand). VCF-style: chr11-47848410-A-G. GRCh37 (hg19) VCF-style: chr11-47869962-A-G.
Other names: c.11T>C, p.Leu4Pro (NM_001318399.1); short protein forms L4P.
Identifiers: ClinVar variation 3030765 (VCV003030765.2), dbSNP rs773807670, ClinGen allele CA380424200.